The following is an entry in ClinVar:

ClinVar aggregate classification (germline): Likely benign. Review status: criteria provided, multiple submitters, no conflicts (2 of 4 stars). 4 submissions from 4 submitters: Likely benign (4). Last evaluated 2024-11-27.

Allele frequency attached by ClinVar (database versions not stated): gnomAD below 0.00001 and 0.00011; TOPMed 0.00001; gnomAD exomes 0.00017 and 0.00040; ExAC 0.00055; 1000 Genomes Project 0.00120; 1000 Genomes Project 30x 0.00141.
gnomAD v4.1: 276 of 1,614,186 alleles (0.017%); highest among the groups gnomAD compares: South Asian, 0.27%; 2 homozygotes.

Submissions (4):

Blueprint Genetics
Classification: Likely benign. Last evaluated: 2024-11-27. Review status: criteria provided, single submitter. Criteria: ACMG Guidelines, 2015. Collection method: clinical testing. Allele origin: germline.

CeGaT Center for Human Genetics Tuebingen
Classification: Likely benign. Last evaluated: 2024-10-01. Review status: criteria provided, single submitter. Criteria: CeGaT Center For Human Genetics Tuebingen Variant Classification Criteria Version 2. Collection method: clinical testing. Allele origin: germline. Affected: yes. Observed: 1 variant allele.
Comment: WDR62: BP4, BP7

Athena Diagnostics
Classification: Likely benign. Last evaluated: 2018-02-28. Review status: criteria provided, single submitter. Criteria: Athena Diagnostics Criteria. Collection method: clinical testing. Allele origin: germline.

Genetic Services Laboratory, University of Chicago
Classification: Likely benign. Last evaluated: 2016-02-10. Review status: criteria provided, single submitter. Criteria: ACMG Guidelines, 2015. Collection method: clinical testing. Allele origin: germline. Affected: no.

NM_001083961.2(WDR62):c.831C>T (p.Leu277=)

Gene: WDR62 (WD repeat domain 62; plus strand). Cytogenetic location: 19q13.12.
Variant type: single nucleotide variant.
Coding change: c.831C>T on transcript NM_001083961.2 (MANE Select); coding-DNA position 831, C replaced by T.
Protein change: p.Leu277=; no amino-acid change (leucine 277 retained).
Molecular consequence: synonymous variant.
Genome position (GRCh38, 1-based): chr19:36,067,959, C>T. VCF-style: chr19-36067959-C-T. GRCh37 (hg19) VCF-style: chr19-36558861-C-T.
Other names: c.831C>T, p.Leu277= (NM_173636.5).
Identifiers: ClinVar variation 437279 (VCV000437279.22), dbSNP rs549410799, ClinGen allele CA9395400.